The following is an entry in ClinVar:

ClinVar aggregate classification (germline): Conflicting classifications of pathogenicity. Review status: criteria provided, conflicting classifications (1 of 4 stars). 15 submissions from 14 submitters: Uncertain significance (3); Benign (2); Likely benign (6). 4 of the submissions do not count toward it. Last evaluated 2026-08-01.

Conditions:
SYNE1-related disorder. Also called: SYNE1-related disorders; SYNE1-related disease; SYNE1-related condition.
Autosomal recessive ataxia, Beauce type. Also called: ATAXIA, RECESSIVE, OF BEAUCE; SYNE1-Related Autosomal Recessive Cerebellar Ataxia; Spinocerebellar ataxia, autosomal recessive 8; SYNE1 Deficiency. Identifiers: Orphanet 88644, MedGen C1853116, MONDO:0012549, OMIM 610743.
Emery-Dreifuss muscular dystrophy 4, autosomal dominant (EDMD4). Also called: EMERY-DREIFUSS MUSCULAR DYSTROPHY 4 WITH VARIABLE FEATURES. Identifiers: Orphanet 261, MedGen C2751807, MONDO:0013071, OMIM 612998.

Allele frequency attached by ClinVar (database versions not stated): 1000 Genomes Project 0.00060; 1000 Genomes Project 30x 0.00078; ExAC 0.00123; gnomAD exomes 0.00130 and 0.00255; ESP Exome Variant Server 0.00169; TOPMed 0.00169; gnomAD 0.00174 and 0.00178.
gnomAD v4.1: 3,957 of 1,614,194 alleles (0.25%); highest among the groups gnomAD compares: Non-Finnish European, 0.31%; 6 homozygotes.

Submissions (15):

CeGaT Center for Human Genetics Tuebingen
Classification: Likely benign. Last evaluated: 2026-08-01. Review status: criteria provided, single submitter. Criteria: CeGaT Center For Human Genetics Tuebingen Variant Classification Criteria Version 2. Collection method: clinical testing. Allele origin: germline. Affected: yes. Observed: 11 variant alleles.
Comment: SYNE1: BS2

Labcorp Genetics (formerly Invitae), Labcorp
Classification: Likely benign for Emery-Dreifuss muscular dystrophy 4, autosomal dominant; Autosomal recessive ataxia, Beauce type. Last evaluated: 2026-02-03. Review status: criteria provided, single submitter. Criteria: Invitae Variant Classification Sherloc (09022015). Collection method: clinical testing. Allele origin: germline.

Women's Health and Genetics/Laboratory Corporation of America, LabCorp
Classification: Likely benign. Last evaluated: 2025-10-15. Review status: criteria provided, single submitter. Criteria: LabCorp Variant Classification Summary - May 2015. Collection method: clinical testing. Allele origin: germline.
Comment: Variant summary: SYNE1 c.25712T>C (p.Leu8571Pro) results in a non-conservative amino acid change in the encoded protein sequence. Algorithms developed to predict the effect of missense changes on protein structure and function are either unavailable or do not agree on the potential impact of this missense change. The variant allele was found at a frequency of 0.0013 in 251466 control chromosomes in the gnomAD database, including 1 homozygotes. The observed variant frequency exceeds the estimated maximal expected allele frequency for disease-causing variants in SYNE1. To our knowledge, no occurrence of c.25712T>C in individuals affected with SYNE1-related conditions and no experimental evidence demonstrating its impact on protein function have been reported. ClinVar contains an entry for this variant (Variation ID: 282403). Based on the evidence outlined above, the variant was classified as likely benign.

Blueprint Genetics
Classification: Likely benign. Last evaluated: 2024-10-24. Review status: criteria provided, single submitter. Criteria: ACMG Guidelines, 2015. Collection method: clinical testing. Allele origin: germline.

Mayo Clinic Laboratories, Mayo Clinic
Classification: Benign. Last evaluated: 2024-03-11. Review status: criteria provided, single submitter. Criteria: ACMG Guidelines, 2015. Collection method: clinical testing. Allele origin: germline. Observed: 8 variant alleles.
Comment: BS1, BS2

Athena Diagnostics
Classification: Likely benign. Last evaluated: 2021-05-28. Review status: criteria provided, single submitter. Criteria: Athena Diagnostics criteria. Collection method: clinical testing. Allele origin: unknown.

GeneDx
Classification: Likely benign. Last evaluated: 2020-08-25. Review status: criteria provided, single submitter. Criteria: GeneDx Variant Classification Process June 2021. Collection method: clinical testing. Allele origin: germline. Affected: yes.

Eurofins Ntd Llc (ga)
Classification: Uncertain significance. Last evaluated: 2018-06-21. Review status: criteria provided, single submitter. Criteria: EGL ClinVar v180209 classification definitions. Collection method: clinical testing. Allele origin: germline. Observed: 19 variant alleles, 19 heterozygotes.

ARUP Laboratories, Molecular Genetics and Genomics, ARUP Laboratories
Classification: Uncertain significance. Last evaluated: 2018-05-05. Review status: criteria provided, single submitter. Criteria: ARUP Molecular Germline Variant Investigation Process. Collection method: clinical testing. Allele origin: germline.
Comment: The SYNE1 c.25712T>C; p.Leu8571Pro variant (rs139834542, ClinVar variant ID 282403), to our knowledge, is not reported in the medical literature, gene specific variation databases, nor has it been previously identified by our laboratory. This variant is listed in the genome Aggregation Database (gnomAD) with a non-Finnish European population frequency of 0.2% (identified on 315 out of 126,708 chromosomes, including one homozygote). The leucine at position 8571 is weakly conserved, considering 12 species, and computational analyses of the effects of the p.Leu8571Pro variant on protein structure and function predict a deleterious effect (SIFT: damaging, PolyPhen-2: probably damaging). Based on the available information, the clinical significance of the p.Leu8571Pro variant cannot be determined with certainty.

Illumina Laboratory Services, Illumina
Classification: Benign for Emery-Dreifuss muscular dystrophy 4, autosomal dominant. Last evaluated: 2018-01-13. Review status: criteria provided, single submitter. Criteria: ICSL Variant Classification Criteria 13 December 2019. Collection method: clinical testing. Allele origin: germline.
Comment: This variant was observed in the ICSL laboratory as part of a predisposition screen in an ostensibly healthy population. It had not been previously curated by ICSL or reported in the Human Gene Mutation Database (HGMD: prior to June 1st, 2018), and was therefore a candidate for classification through an automated scoring system. Utilizing variant allele frequency, disease prevalence and penetrance estimates, and inheritance mode, an automated score was calculated to assess if this variant is too frequent to cause the disease. Based on the score and internal cut-off values, a variant classified as benign is not then subjected to further curation. The score for this variant resulted in a classification of benign for this disease.

Illumina Laboratory Services, Illumina
Classification: Uncertain significance for Autosomal recessive ataxia, Beauce type. Last evaluated: 2018-01-13. Review status: criteria provided, single submitter. Criteria: ICSL Variant Classification Criteria 13 December 2019. Collection method: clinical testing. Allele origin: germline.

PreventionGenetics, part of Exact Sciences
Classification: Likely benign for SYNE1-related condition. Last evaluated: 2024-07-16. Review status: no assertion criteria provided. Collection method: clinical testing. Allele origin: germline. Not counted in ClinVar's aggregate classification.
Comment: This variant is classified as likely benign based on ACMG/AMP sequence variant interpretation guidelines (Richards et al. 2015 PMID: 25741868, with internal and published modifications).

Clinical Genetics DNA and cytogenetics Diagnostics Lab, Erasmus MC, Erasmus Medical Center
Classification: Likely benign. Review status: no assertion criteria provided. Collection method: clinical testing. Allele origin: germline. Affected: yes. Study: VKGL Data-share Consensus. Not counted in ClinVar's aggregate classification.

Diagnostic Laboratory, Department of Genetics, University Medical Center Groningen
Classification: Likely benign. Review status: no assertion criteria provided. Collection method: clinical testing. Allele origin: germline. Affected: yes. Study: VKGL Data-share Consensus. Not counted in ClinVar's aggregate classification.

Genome Diagnostics Laboratory, University Medical Center Utrecht
Classification: Likely benign. Review status: no assertion criteria provided. Collection method: clinical testing. Allele origin: germline. Affected: yes. Study: VKGL Data-share Consensus. Not counted in ClinVar's aggregate classification.

Literature cited by the submitters: PubMed 29961767 (cited by Athena Diagnostics).

NM_182961.4(SYNE1):c.25856T>C (p.Leu8619Pro)

Gene: SYNE1 (spectrin repeat containing nuclear envelope protein 1; minus strand). Cytogenetic location: 6q25.2.
Variant type: single nucleotide variant.
Coding change: c.25856T>C on transcript NM_182961.4 (MANE Select); coding-DNA position 25856, T replaced by C.
Protein change: p.Leu8619Pro; replaces leucine 8619 with proline.
Molecular consequence: missense variant.
Genome position (GRCh38, 1-based): chr6:152,133,421, A>G on the plus strand (T>C on the coding strand, the complement: SYNE1 is on the minus strand). VCF-style: chr6-152133421-A-G. GRCh37 (hg19) VCF-style: chr6-152454556-A-G.
Other names: c.2462T>C, p.Leu821Pro (NM_001347701.2); c.2390T>C, p.Leu797Pro (NM_001347702.2); c.25712T>C, p.Leu8571Pro (NM_033071.5); short protein forms L8571P, L8619P, L821P, L797P.
Identifiers: ClinVar variation 282403 (VCV000282403.77), dbSNP rs139834542, ClinGen allele CA4052723.
Genomic context (GRCh38, chr6:152,133,421, plus strand): 5'-CCAATAACATGGACTTTTTCTTTGGCTTCTAAACAGTCTGTTCCTTCAGCATTCACCAGT[A>G]GTTGGCAAGACATGTCTTGCAAAGAGGCTACTCTGAGTTGGGATTCCAACAGCTCATGCT-3'
Protein context (NP_892006.3, residues 8609-8629): VASLQDMSCQ[Leu8619Pro]LVNAEGTDCL